The following is an entry in ClinVar:

ClinVar aggregate classification (germline): Uncertain significance (1 of 4 stars; one submission).

Conditions:
Lafora disease. Also called: Epilepsy progressive myoclonic 2; Progressive Myoclonus Epilepsy, Lafora Type. Identifiers: Orphanet 501, MedGen C0751783, MONDO:0009697.

Submission:

Labcorp Genetics (formerly Invitae), Labcorp
Classification: Uncertain significance for Lafora disease. Last evaluated: 2025-04-08. Review status: criteria provided, single submitter. Criteria: Invitae Variant Classification Sherloc (09022015). Collection method: clinical testing. Allele origin: germline.
Comment: This sequence change replaces leucine, which is neutral and non-polar, with phenylalanine, which is neutral and non-polar, at codon 241 of the NHLRC1 protein (p.Leu241Phe). This variant is present in population databases (rs772155104, gnomAD 0.0009%). This variant has not been reported in the literature in individuals affected with NHLRC1-related conditions. Invitae Evidence Modeling of protein sequence and biophysical properties (such as structural, functional, and spatial information, amino acid conservation, physicochemical variation, residue mobility, and thermodynamic stability) indicates that this missense variant is not expected to disrupt NHLRC1 protein function with a negative predictive value of 95%. In summary, the available evidence is currently insufficient to determine the role of this variant in disease. Therefore, it has been classified as a Variant of Uncertain Significance.

NM_198586.3(NHLRC1):c.721C>T (p.Leu241Phe)

Gene: NHLRC1 (NHL repeat containing E3 ubiquitin protein ligase 1; minus strand). Cytogenetic location: 6p22.3.
Variant type: single nucleotide variant.
Coding change: c.721C>T on transcript NM_198586.3 (MANE Select); coding-DNA position 721, C replaced by T.
Protein change: p.Leu241Phe; replaces leucine 241 with phenylalanine.
Molecular consequence: missense variant.
Genome position (GRCh38, 1-based): chr6:18,121,886, G>A on the plus strand (C>T on the coding strand, the complement: NHLRC1 is on the minus strand). VCF-style: chr6-18121886-G-A. GRCh37 (hg19) VCF-style: chr6-18122117-G-A.
Other names: short protein forms L241F.
Identifiers: ClinVar variation 4749102 (VCV004749102.1).